The following is an entry in ClinVar:

NM_198578.4(LRRK2):c.7249C>A (p.Leu2417Ile)

Gene: LRRK2 (leucine rich repeat kinase 2; plus strand). Cytogenetic location: 12q12.
Variant type: single nucleotide variant.
Coding change: c.7249C>A on transcript NM_198578.4 (MANE Select); coding-DNA position 7249, C replaced by A.
Protein change: p.Leu2417Ile; replaces leucine 2417 with isoleucine.
Molecular consequence: missense variant.
Genome position (GRCh38, 1-based): chr12:40,364,909, C>A. VCF-style: chr12-40364909-C-A. GRCh37 (hg19) VCF-style: chr12-40758711-C-A.
Other names: short protein forms L2417I.
Identifiers: ClinVar variation 3229782 (VCV003229782.1), dbSNP rs1215673901, ClinGen allele CA384414788.
Genomic context (GRCh38, chr12:40,364,909, plus strand): 5'-ATGGTAAAAGAAAACAAGGAATCAAAACACAAAATGTCTTATTCTGGGAGAGTGAAAACC[C>A]TCTGCCTTCAGAAGAACACTGCTCTTTGGATAGGAACTGGAGGAGGCCATATTTTACTCC-3'
Protein context (NP_940980.4, residues 2407-2427): KMSYSGRVKT[Leu2417Ile]CLQKNTALWI

ClinVar aggregate classification (germline): Uncertain significance (1 of 4 stars; one submission).

Conditions:
Inborn genetic diseases. Identifiers: MedGen C0950123, MeSH D030342.

gnomAD v4.1: 4 of 1,612,414 alleles (0.00025%); highest among the groups gnomAD compares: Non-Finnish European, 0.00034%; no homozygotes.

Submission:

Ambry Genetics
Classification: Uncertain significance for Inborn genetic diseases. Last evaluated: 2023-12-25. Review status: criteria provided, single submitter. Criteria: Ambry Variant Classification Scheme 2023. Collection method: clinical testing. Allele origin: germline.
Comment: The p.L2417I variant (also known as c.7249C>A), located in coding exon 49 of the LRRK2 gene, results from a C to A substitution at nucleotide position 7249. The leucine at codon 2417 is replaced by isoleucine, an amino acid with highly similar properties. This amino acid position is conserved. In addition, this alteration is predicted to be tolerated by in silico analysis. Since supporting evidence is limited at this time, the clinical significance of this alteration remains unclear.